The following is an entry in ClinVar:

ClinVar aggregate classification (germline): Pathogenic (1 of 4 stars; one submission).

Submission:

GeneDx
Classification: Pathogenic. Last evaluated: 2017-12-04. Review status: criteria provided, single submitter. Criteria: GeneDx Variant Classification (06012015). Collection method: clinical testing. Allele origin: germline. Affected: yes.
Comment: Although the c.1880_1881delGT pathogenic variant in the FBN1 gene has not been reported to our knowledge, this variant causes a shift in reading frame starting at codon Arginine 627, changing it to a Leucine, and creating a premature stop codon at position 5 of the new reading frame, denoted p.Arg627LeufsX5. This pathogenic variant is expected to result in either an abnormal, truncated protein product or loss of protein from this allele through nonsense-mediated mRNA decay. Other frameshift variants in the FBN1 gene have been reported in Human Gene Mutation Database in association with Marfan syndrome (Stenson et al., 2014), indicating that loss of function is a mechanism of disease for this gene. Furthermore, the c.1880_1881delGT variant has not been observed in large population cohorts (Lek et al., 2016).In summary, c.1880_1881delGT in the FBN1 gene is interpreted as a pathogenic variant.

NM_000138.5(FBN1):c.1880_1881del (p.Arg627fs)

Gene: FBN1 (fibrillin 1; minus strand). Cytogenetic location: 15q21.1.
Variant type: Deletion.
Coding change: c.1880_1881del on transcript NM_000138.5 (MANE Select); coding-DNA positions 1880 to 1881, 2 bases deleted (GT; older notation c.1880_1881delGT).
Protein change: p.Arg627fs; shifts the reading frame from arginine 627.
Molecular consequence: frameshift variant.
Genome position (GRCh38, 1-based): chr15:48,505,104-48,505,105, AC deleted on the plus strand (GT on the coding strand, the reverse complement: FBN1 is on the minus strand). VCF-style (leftmost placement, unchanged base first): chr15-48505103-AAC-A. GRCh37 (hg19) VCF-style: chr15-48797300-AAC-A.
Other names: c.1880_1881delGT (NM_000138.4); short protein forms R627fs.
Identifiers: ClinVar variation 503860 (VCV000503860.1), dbSNP rs1555399827, ClinGen allele CA658798349.